The following is an entry in ClinVar:

NM_005529.7(HSPG2):c.12815+4G>A

Genes: LDLRAD2 (low density lipoprotein receptor class A domain containing 2; plus strand), HSPG2 (heparan sulfate proteoglycan 2; minus strand). Cytogenetic location: 1p36.12.
Variant type: single nucleotide variant.
Coding change: c.12815+4G>A on transcript NM_005529.7 (MANE Select); 4 bases into the intron after coding-DNA position 12815, G replaced by A.
Molecular consequence: intron variant. On other transcripts: 3 prime UTR variant (1).
Genome position (GRCh38, 1-based): chr1:21,824,302, C>T on the plus strand (G>A on the coding strand, the complement: HSPG2 is on the minus strand). VCF-style: chr1-21824302-C-T. GRCh37 (hg19) VCF-style: chr1-22150795-C-T.
Other names: c.*2087C>T (NM_001013693.3); c.12818+4G>A (NM_001291860.2).
Identifiers: ClinVar variation 295703 (VCV000295703.31), dbSNP rs117182812, ClinGen allele CA669283.

ClinVar aggregate classification (germline): Benign. Review status: criteria provided, multiple submitters, no conflicts (2 of 4 stars). 8 submissions from 7 submitters: Benign (8). Last evaluated 2026-01-26.

Conditions:
Connective tissue disorder. Also called: Connective tissue disease. Identifiers: MedGen C0009782, MONDO:0003900.
Lethal Kniest-like syndrome (DDSH). Also called: Dyssegmental Dysplasia. Identifiers: Orphanet 1865, MedGen C1857100, MONDO:0009140, OMIM 224410.
Schwartz-Jampel syndrome. Also called: Myotonic myopathy dwarfism chondrodystrophy and ocular and facial abnormalities. Identifiers: Orphanet 800, MedGen C0036391, MONDO:0009717.

Allele frequency attached by ClinVar (database versions not stated): ESP Exome Variant Server 0.00215; gnomAD 0.00420 and 0.00559; TOPMed 0.00542; gnomAD exomes 0.00602 and 0.00894; ExAC 0.00916; 1000 Genomes Project 30x 0.01765; 1000 Genomes Project 0.01997.
gnomAD v4.1: 9,753 of 1,613,894 alleles (0.6%); highest among the groups gnomAD compares: East Asian, 8.2%; 209 homozygotes.

Submissions (8):

Labcorp Genetics (formerly Invitae), Labcorp
Classification: Benign. Last evaluated: 2026-01-26. Review status: criteria provided, single submitter. Criteria: Invitae Variant Classification Sherloc (09022015). Collection method: clinical testing. Allele origin: germline.

ARUP Laboratories, Molecular Genetics and Genomics, ARUP Laboratories
Classification: Benign. Last evaluated: 2024-12-31. Review status: criteria provided, single submitter. Criteria: ARUP Molecular Germline Variant Investigation Process 2024. Collection method: clinical testing. Allele origin: germline.

Athena Diagnostics
Classification: Benign. Last evaluated: 2024-03-11. Review status: criteria provided, single submitter. Criteria: Athena Diagnostics Criteria. Collection method: clinical testing. Allele origin: unknown.

Genome Diagnostics Laboratory, The Hospital for Sick Children
Classification: Benign for Connective tissue disorder. Last evaluated: 2022-06-30. Review status: criteria provided, single submitter. Criteria: ACMG Guidelines, 2015. Collection method: clinical testing. Allele origin: germline.

GeneDx
Classification: Benign. Last evaluated: 2018-12-09. Review status: criteria provided, single submitter. Criteria: GeneDx Variant Classification Process June 2021. Collection method: clinical testing. Allele origin: germline. Affected: yes.

Illumina Laboratory Services, Illumina
Classification: Benign for Schwartz-Jampel syndrome type 1. Last evaluated: 2018-01-13. Review status: criteria provided, single submitter. Criteria: ICSL Variant Classification Criteria 13 December 2019. Collection method: clinical testing. Allele origin: germline.
Comment: This variant was observed in the ICSL laboratory as part of a predisposition screen in an ostensibly healthy population. It had not been previously curated by ICSL or reported in the Human Gene Mutation Database (HGMD: prior to June 1st, 2018), and was therefore a candidate for classification through an automated scoring system. Utilizing variant allele frequency, disease prevalence and penetrance estimates, and inheritance mode, an automated score was calculated to assess if this variant is too frequent to cause the disease. Based on the score and internal cut-off values, a variant classified as benign is not then subjected to further curation. The score for this variant resulted in a classification of benign for this disease.

Illumina Laboratory Services, Illumina
Classification: Benign for Lethal Kniest-like syndrome. Last evaluated: 2018-01-13. Review status: criteria provided, single submitter. Criteria: ICSL Variant Classification Criteria 13 December 2019. Collection method: clinical testing. Allele origin: germline.
Comment: the same text as in the submission from Illumina Laboratory Services, Illumina above.

Breakthrough Genomics
Classification: Benign. Review status: criteria provided, single submitter. Criteria: ACMG Guidelines, 2015. Collection method: not provided. Allele origin: germline. Inheritance: Autosomal recessive inheritance. Affected: yes.